The following is an entry in ClinVar:

ClinVar aggregate classification (germline): Likely benign. Review status: criteria provided, multiple submitters, no conflicts (2 of 4 stars). 2 submissions from 2 submitters: Likely benign (2). Last evaluated 2026-09-01.

Conditions:
Hereditary cancer-predisposing syndrome. Also called: Neoplastic Syndromes, Hereditary; Tumor predisposition; Hereditary Cancer Syndrome; Hereditary neoplastic syndrome. Identifiers: Orphanet 140162, MedGen C0027672, MeSH D009386, MONDO:0015356.

Submissions (2):

CeGaT Center for Human Genetics Tuebingen
Classification: Likely benign. Last evaluated: 2026-09-01. Review status: criteria provided, single submitter. Criteria: CeGaT Center For Human Genetics Tuebingen Variant Classification Criteria Version 2. Collection method: clinical testing. Allele origin: germline. Affected: yes. Observed: 1 variant allele.
Comment: NF2: PM2:Supporting, BP4, BP7

Ambry Genetics
Classification: Likely benign for Hereditary cancer-predisposing syndrome. Last evaluated: 2023-01-21. Review status: criteria provided, single submitter. Criteria: Ambry Variant Classification Scheme 2023. Collection method: clinical testing. Allele origin: germline.

NM_000268.4(NF2):c.1764A>G (p.Arg588=)

Gene: NF2 (NF2, moesin-ezrin-radixin like (MERLIN) tumor suppressor; plus strand). Cytogenetic location: 22q12.2.
Variant type: single nucleotide variant.
Coding change: c.1764A>G on transcript NM_000268.4 (MANE Select); coding-DNA position 1764, A replaced by G.
Protein change: p.Arg588=; no amino-acid change (arginine 588 retained).
Molecular consequence: synonymous variant. On other transcripts: 3 prime UTR variant (11), missense variant (2), non-coding transcript variant (1).
Genome position (GRCh38, 1-based): chr22:29,694,778, A>G. VCF-style: chr22-29694778-A-G. GRCh37 (hg19) VCF-style: chr22-30090767-A-G.
Other names: c.1650A>G, p.Arg550= (NM_001407053.1); c.1641A>G, p.Arg547= (NM_001407054.1); c.1638A>G, p.Arg546= (NM_001407055.1); c.*36A>G (NM_001407056.1, NM_001407059.1, NM_001407065.1 and 5 more transcripts); c.1629A>G, p.Arg543= (NM_001407057.1); c.*51A>G (NM_001407058.1, NM_001407063.1, NM_181832.3); c.1601A>G, p.Glu534Gly (NM_001407060.1); c.1506A>G, p.Arg502= (NM_001407062.1); and 2 more; short protein forms E451G, E534G.
Identifiers: ClinVar variation 2453834 (VCV002453834.3), dbSNP rs1601688952, ClinGen allele CA514191735.